The following is an entry in ClinVar:

ClinVar aggregate classification (germline): Uncertain significance. Review status: criteria provided, multiple submitters, no conflicts (2 of 4 stars). 2 submissions from 2 submitters: Uncertain significance (2). Last evaluated 2025-08-26.

Conditions:
RYR1-related disorder. Also called: RYR1-related condition; RYR1-related disorders. Identifiers: MedGen CN239331.
Malignant hyperthermia, susceptibility to, 1 (MHS1). Also called: RYR1-Related Malignant Hyperthermia Susceptibility; Malignant hyperthermia suceptibility 1; Anesthesia related hyperthermia; Malignant hyperpyrexia; Fulminating hyperpyrexia; Pharmacogenic myopathy. Identifiers: Orphanet 423, MedGen C2930980, MONDO:0007783, OMIM 145600.

Allele frequency attached by ClinVar (database versions not stated): TOPMed below 0.00001; gnomAD exomes 0.00001.
gnomAD v4.1: 12 of 1,613,794 alleles (0.00074%); highest among the groups gnomAD compares: Non-Finnish European, 0.00093%; no homozygotes.

Submissions (2):

Color Diagnostics, LLC DBA Color Health
Classification: Uncertain significance for Malignant hyperthermia, susceptibility to, 1. Last evaluated: 2025-08-26. Review status: criteria provided, single submitter. Criteria: ACMG Guidelines, 2015. Collection method: clinical testing. Allele origin: germline.
Comment: This missense variant replaces proline with serine at codon 1266 of the RYR1 protein. Computational prediction suggests that this variant may not impact protein structure and function. To our knowledge, functional studies have not been reported for this variant. This variant has not been reported in individuals affected with RYR1-related disorders in the literature. This variant has been identified in 2/248714 chromosomes in the general population by the Genome Aggregation Database (gnomAD). The available evidence is insufficient to determine the role of this variant in disease conclusively. Therefore, this variant is classified as a Variant of Uncertain Significance.

Labcorp Genetics (formerly Invitae), Labcorp
Classification: Uncertain significance for RYR1-related disorder. Last evaluated: 2024-05-06. Review status: criteria provided, single submitter. Criteria: Invitae Variant Classification Sherloc (09022015). Collection method: clinical testing. Allele origin: germline.
Comment: This sequence change replaces proline, which is neutral and non-polar, with serine, which is neutral and polar, at codon 1266 of the RYR1 protein (p.Pro1266Ser). This variant is present in population databases (no rsID available, gnomAD 0.002%). This variant has not been reported in the literature in individuals affected with RYR1-related conditions. ClinVar contains an entry for this variant (Variation ID: 2067200). Advanced modeling of protein sequence and biophysical properties (such as structural, functional, and spatial information, amino acid conservation, physicochemical variation, residue mobility, and thermodynamic stability) has been performed at Invitae for this missense variant, however the output from this modeling did not meet the statistical confidence thresholds required to predict the impact of this variant on RYR1 protein function. In summary, the available evidence is currently insufficient to determine the role of this variant in disease. Therefore, it has been classified as a Variant of Uncertain Significance.

NM_000540.3(RYR1):c.3796C>T (p.Pro1266Ser)

Gene: RYR1 (ryanodine receptor 1; plus strand). Cytogenetic location: 19q13.2.
Variant type: single nucleotide variant.
Coding change: c.3796C>T on transcript NM_000540.3 (MANE Select); coding-DNA position 3796, C replaced by T.
Protein change: p.Pro1266Ser; replaces proline 1266 with serine.
Molecular consequence: missense variant.
Genome position (GRCh38, 1-based): chr19:38,473,407, C>T. VCF-style: chr19-38473407-C-T. GRCh37 (hg19) VCF-style: chr19-38964047-C-T.
Other names: c.3796C>T, p.Pro1266Ser (NM_001042723.2); short protein forms P1266S.
Identifiers: ClinVar variation 2067200 (VCV002067200.3), dbSNP rs1268431994, ClinGen allele CA405641458.
Genomic context (GRCh38, chr19:38,473,407, plus strand): 5'-AGCCCAGTACTCCATTCCCTGCCACCTCAGGTATCCCGAGTGGACGGCACTGTGGACACG[C>T]CCCCCTGCCTGCGCCTGACCCACCGCACCTGGGGCTCCCAGAACAGCCTGGTGGAGATGC-3'
Protein context (NP_000531.2, residues 1256-1276): VSRVDGTVDT[Pro1266Ser]PCLRLTHRTW